The following is an entry in ClinVar:

ClinVar aggregate classification (germline): Uncertain significance (1 of 4 stars; one submission).

Conditions:
Hereditary cancer-predisposing syndrome. Also called: Tumor predisposition; Hereditary Cancer Syndrome; Hereditary neoplastic syndrome; Neoplastic Syndromes, Hereditary. Identifiers: Orphanet 140162, MedGen C0027672, MeSH D009386, MONDO:0015356.

Submission:

Ambry Genetics
Classification: Uncertain significance for Hereditary cancer-predisposing syndrome. Last evaluated: 2022-11-25. Review status: criteria provided, single submitter. Criteria: Ambry Variant Classification Scheme 2023. Collection method: clinical testing. Allele origin: germline.
Comment: The p.N2742H variant (also known as c.8224A>C), located in coding exon 55 of the ATM gene, results from an A to C substitution at nucleotide position 8224. The asparagine at codon 2742 is replaced by histidine, an amino acid with similar properties. This amino acid position is conserved. In addition, this alteration is predicted to be tolerated by in silico analysis. Since supporting evidence is limited at this time, the clinical significance of this alteration remains unclear.

NM_000051.4(ATM):c.8224A>C (p.Asn2742His)

Genes: ATM (ATM serine/threonine kinase; plus strand), C11orf65 (chromosome 11 open reading frame 65; minus strand). Cytogenetic location: 11q22.3.
Variant type: single nucleotide variant.
Coding change: c.8224A>C on transcript NM_000051.4 (MANE Select); coding-DNA position 8224, A replaced by C.
Protein change: p.Asn2742His; replaces asparagine 2742 with histidine.
Molecular consequence: missense variant. On other transcripts: intron variant (2).
Genome position (GRCh38, 1-based): chr11:108,335,917, A>C. VCF-style: chr11-108335917-A-C. GRCh37 (hg19) VCF-style: chr11-108206644-A-C.
Other names: c.8224A>C, p.Asn2742His (NM_001351834.2); c.641-26846T>G (NM_001330368.2); c.695-625T>G (NM_001351110.2); short protein forms N2742H.
Identifiers: ClinVar variation 2453933 (VCV002453933.2), dbSNP rs2547347602, ClinGen allele CA382562611.